The following is an entry in ClinVar:

ClinVar aggregate classification (germline): Uncertain significance. Review status: criteria provided, multiple submitters, no conflicts (2 of 4 stars). 2 submissions from 2 submitters: Uncertain significance (2). Last evaluated 2025-02-10.

Conditions:
Cardiovascular phenotype. Identifiers: MedGen CN230736.
Hypercholesterolemia, autosomal dominant, type B (FHCL2). Also called: APOB-Related Familial Hypercholesterolemia, Autosomal Dominant; Familial Hypercholesterolemia Type B; APOLIPOPROTEIN B-100, FAMILIAL DEFECTIVE; APOLIPOPROTEIN B-100, FAMILIAL LIGAND-DEFECTIVE; HYPERCHOLESTEROLEMIA, FAMILIAL, DUE TO LIGAND-DEFECTIVE APOLIPOPROTEIN B; Hyperlipoproteinemia Type IIb. Identifiers: MedGen C1704417, MONDO:0007751, OMIM 144010.
Familial hypobetalipoproteinemia 1. Also called: Hypobetalipoproteinemia, normotriglyceridemic; Acanthocytosis with hypobetalipoproteinemia; APOB-Related Familial Hypobetalipoproteinemia. Identifiers: MedGen C4551990, MONDO:0014252, OMIM 615558.

Allele frequency attached by ClinVar (database versions not stated): gnomAD exomes below 0.00001; ExAC 0.00001.
gnomAD v4.1: 6 of 1,585,648 alleles (0.00038%); highest among the groups gnomAD compares: South Asian, 0.0012%; no homozygotes.

Submissions (2):

Ambry Genetics
Classification: Uncertain significance for Cardiovascular phenotype. Last evaluated: 2025-02-10. Review status: criteria provided, single submitter. Criteria: Ambry Variant Classification Scheme 2023. Collection method: clinical testing. Allele origin: germline.
Comment: The p.W4144R variant (also known as c.12430T>C), located in coding exon 29 of the APOB gene, results from a T to C substitution at nucleotide position 12430. The tryptophan at codon 4144 is replaced by arginine, an amino acid with dissimilar properties. This amino acid position is conserved. In addition, this alteration is predicted to be tolerated by in silico analysis. Based on the available evidence, the clinical significance of this variant remains unclear.

Labcorp Genetics (formerly Invitae), Labcorp
Classification: Uncertain significance for Familial hypobetalipoproteinemia 1; Hypercholesterolemia, autosomal dominant, type B. Last evaluated: 2023-11-08. Review status: criteria provided, single submitter. Criteria: Invitae Variant Classification Sherloc (09022015). Collection method: clinical testing. Allele origin: germline.
Comment: This sequence change replaces tryptophan, which is neutral and slightly polar, with arginine, which is basic and polar, at codon 4144 of the APOB protein (p.Trp4144Arg). This variant is present in population databases (rs754404747, gnomAD 0.001%). This variant has not been reported in the literature in individuals affected with APOB-related conditions. Advanced modeling of protein sequence and biophysical properties (such as structural, functional, and spatial information, amino acid conservation, physicochemical variation, residue mobility, and thermodynamic stability) performed at Invitae indicates that this missense variant is not expected to disrupt APOB protein function with a negative predictive value of 95%. In summary, the available evidence is currently insufficient to determine the role of this variant in disease. Therefore, it has been classified as a Variant of Uncertain Significance.

NM_000384.3(APOB):c.12430T>C (p.Trp4144Arg)

Gene: APOB (apolipoprotein B; minus strand). Cytogenetic location: 2p24.1.
Variant type: single nucleotide variant.
Coding change: c.12430T>C on transcript NM_000384.3 (MANE Select); coding-DNA position 12430, T replaced by C.
Protein change: p.Trp4144Arg; replaces tryptophan 4144 with arginine.
Molecular consequence: missense variant.
Genome position (GRCh38, 1-based): chr2:21,002,992, A>G on the plus strand (T>C on the coding strand, the complement: APOB is on the minus strand). VCF-style: chr2-21002992-A-G. GRCh37 (hg19) VCF-style: chr2-21225864-A-G.
Other names: c.12430T>C (NM_000384.2); short protein forms W4144R.
Identifiers: ClinVar variation 2926254 (VCV002926254.4), dbSNP rs754404747, ClinGen allele CA050275.